The following is an entry in ClinVar:

ClinVar aggregate classification (germline): Uncertain significance (1 of 4 stars; one submission).

Submission:

Labcorp Genetics (formerly Invitae), Labcorp
Classification: Uncertain significance. Last evaluated: 2025-02-03. Review status: criteria provided, single submitter. Criteria: Invitae Variant Classification Sherloc (09022015). Collection method: clinical testing. Allele origin: germline.
Comment: This sequence change replaces leucine, which is neutral and non-polar, with serine, which is neutral and polar, at codon 36 of the CD164 protein (p.Leu36Ser). The frequency data for this variant in the population databases is considered unreliable, as metrics indicate poor data quality at this position in the gnomAD database. This variant has not been reported in the literature in individuals affected with CD164-related conditions. An algorithm developed to predict the effect of missense changes on protein structure and function outputs the following: PolyPhen-2: "Benign". The serine amino acid residue is found in multiple mammalian species, which suggests that this missense change does not adversely affect protein function. In summary, the available evidence is currently insufficient to determine the role of this variant in disease. Therefore, it has been classified as a Variant of Uncertain Significance.

NM_006016.6(CD164):c.107T>C (p.Leu36Ser)

Gene: CD164 (CD164 molecule; minus strand). Cytogenetic location: 6q21.
Variant type: single nucleotide variant.
Coding change: c.107T>C on transcript NM_006016.6 (MANE Select); coding-DNA position 107, T replaced by C.
Protein change: p.Leu36Ser; replaces leucine 36 with serine.
Molecular consequence: missense variant.
Genome position (GRCh38, 1-based): chr6:109,382,272, A>G on the plus strand (T>C on the coding strand, the complement: CD164 is on the minus strand). VCF-style: chr6-109382272-A-G. GRCh37 (hg19) VCF-style: chr6-109703475-A-G.
Other names: c.107T>C, p.Leu36Ser (NM_001142401.3, NM_001142402.3, NM_001142403.3 and 1 more transcripts); short protein forms L36S.
Identifiers: ClinVar variation 4701173 (VCV004701173.1).